The following is an entry in ClinVar:

NM_015041.3(CLUAP1):c.579G>C (p.Leu193Phe)

Gene: CLUAP1 (clusterin associated protein 1; plus strand). Cytogenetic location: 16p13.3.
Variant type: single nucleotide variant.
Coding change: c.579G>C on transcript NM_015041.3 (MANE Select); coding-DNA position 579, G replaced by C.
Protein change: p.Leu193Phe; replaces leucine 193 with phenylalanine.
Molecular consequence: missense variant.
Genome position (GRCh38, 1-based): chr16:3,515,591, G>C. VCF-style: chr16-3515591-G-C. GRCh37 (hg19) VCF-style: chr16-3565591-G-C.
Other names: c.579G>C, p.Leu193Phe (NM_001330454.2); c.81G>C, p.Leu27Phe (NM_024793.3); short protein forms L193F, L27F.
Identifiers: ClinVar variation 943604 (VCV000943604.9), dbSNP rs768886313, ClinGen allele CA7863771.

ClinVar aggregate classification (germline): Uncertain significance (1 of 4 stars; one submission).

Allele frequency attached by ClinVar (database versions not stated): gnomAD below 0.00001 and 0.00001; gnomAD exomes 0.00006 and 0.00016; ExAC 0.00014.

Submission:

Labcorp Genetics (formerly Invitae), Labcorp
Classification: Uncertain significance. Last evaluated: 2025-04-17. Review status: criteria provided, single submitter. Criteria: Invitae Variant Classification Sherloc (09022015). Collection method: clinical testing. Allele origin: germline.
Comment: This sequence change replaces leucine, which is neutral and non-polar, with phenylalanine, which is neutral and non-polar, at codon 193 of the CLUAP1 protein (p.Leu193Phe). This variant is present in population databases (rs768886313, gnomAD 0.1%), and has an allele count higher than expected for a pathogenic variant. This variant has not been reported in the literature in individuals affected with CLUAP1-related conditions. ClinVar contains an entry for this variant (Variation ID: 943604). An algorithm developed to predict the effect of missense changes on protein structure and function (PolyPhen-2) suggests that this variant is likely to be disruptive. Algorithms developed to predict the effect of sequence changes on RNA splicing suggest that this variant may disrupt the consensus splice site. In summary, the available evidence is currently insufficient to determine the role of this variant in disease. Therefore, it has been classified as a Variant of Uncertain Significance.